The following is an entry in ClinVar:

NM_206933.4(USH2A):c.13633C>T (p.Pro4545Ser)

Gene: USH2A (usherin; minus strand). Cytogenetic location: 1q41.
Variant type: single nucleotide variant.
Coding change: c.13633C>T on transcript NM_206933.4 (MANE Select); coding-DNA position 13633, C replaced by T.
Protein change: p.Pro4545Ser; replaces proline 4545 with serine.
Molecular consequence: missense variant.
Genome position (GRCh38, 1-based): chr1:215,674,278, G>A on the plus strand (C>T on the coding strand, the complement: USH2A is on the minus strand). VCF-style: chr1-215674278-G-A. GRCh37 (hg19) VCF-style: chr1-215847620-G-A.
Other names: short protein forms P4545S.
Identifiers: ClinVar variation 1213932 (VCV001213932.9), dbSNP rs2102664812, ClinGen allele CA344844178.

ClinVar aggregate classification (germline): Uncertain significance. Review status: criteria provided, multiple submitters, no conflicts (2 of 4 stars). 4 submissions from 3 submitters: Uncertain significance (4). Last evaluated 2023-11-04.

Conditions:
Retinitis pigmentosa 39 (RP39). Identifiers: Orphanet 791, MedGen C3151138, MONDO:0013436, OMIM 613809.
Usher syndrome type 2A. Also called: USHER SYNDROME, TYPE IIA; RETINAL DISEASE IN USHER SYNDROME TYPE IIA, MODIFIER OF. Identifiers: Orphanet 231178, Orphanet 886, MedGen C1848634, MONDO:0010169, OMIM 276901.

Submissions (4):

Genome-Nilou Lab
Classification: Uncertain significance for Retinitis pigmentosa 39. Last evaluated: 2023-11-04. Review status: criteria provided, single submitter. Criteria: ACMG Guidelines, 2015. Collection method: clinical testing. Allele origin: germline. Affected: no.

Genome-Nilou Lab
Classification: Uncertain significance for Usher syndrome type 2A. Last evaluated: 2023-11-04. Review status: criteria provided, single submitter. Criteria: ACMG Guidelines, 2015. Collection method: clinical testing. Allele origin: germline. Affected: no.

Labcorp Genetics (formerly Invitae), Labcorp
Classification: Uncertain significance. Last evaluated: 2023-06-30. Review status: criteria provided, single submitter. Criteria: Invitae Variant Classification Sherloc (09022015). Collection method: clinical testing. Allele origin: germline.
Comment: This variant has not been reported in the literature in individuals affected with USH2A-related conditions. This variant is not present in population databases (gnomAD no frequency). This sequence change replaces proline, which is neutral and non-polar, with serine, which is neutral and polar, at codon 4545 of the USH2A protein (p.Pro4545Ser). ClinVar contains an entry for this variant (Variation ID: 1213932). In summary, the available evidence is currently insufficient to determine the role of this variant in disease. Therefore, it has been classified as a Variant of Uncertain Significance. Advanced modeling of protein sequence and biophysical properties (such as structural, functional, and spatial information, amino acid conservation, physicochemical variation, residue mobility, and thermodynamic stability) performed at Invitae indicates that this missense variant is not expected to disrupt USH2A protein function.

DBGen Ocular Genomics
Classification: Uncertain significance for Retinitis pigmentosa 39. Last evaluated: 2021-06-23. Review status: criteria provided, single submitter. Criteria: ACMG Guidelines, 2015. Collection method: clinical testing. Allele origin: germline. Affected: yes. Observed: 1 variant allele.